The following is an entry in ClinVar:

ClinVar aggregate classification (germline): Uncertain significance. Review status: criteria provided, multiple submitters, no conflicts (2 of 4 stars). 2 submissions from 2 submitters: Uncertain significance (2). Last evaluated 2025-03-22.

Allele frequency attached by ClinVar (database versions not stated): gnomAD exomes 0.00001.
gnomAD v4.1: 40 of 1,609,498 alleles (0.0025%); highest among the groups gnomAD compares: Non-Finnish European, 0.0033%; no homozygotes.

Submissions (2):

Labcorp Genetics (formerly Invitae), Labcorp
Classification: Uncertain significance. Last evaluated: 2025-03-22. Review status: criteria provided, single submitter. Criteria: Invitae Variant Classification Sherloc (09022015). Collection method: clinical testing. Allele origin: germline.
Comment: This sequence change replaces histidine, which is basic and polar, with glutamine, which is neutral and polar, at codon 313 of the IRF2BP2 protein (p.His313Gln). This variant is present in population databases (no rsID available, gnomAD 0.002%). This variant has not been reported in the literature in individuals affected with IRF2BP2-related conditions. ClinVar contains an entry for this variant (Variation ID: 1437475). An algorithm developed to predict the effect of missense changes on protein structure and function (PolyPhen-2) suggests that this variant is likely to be disruptive. In summary, the available evidence is currently insufficient to determine the role of this variant in disease. Therefore, it has been classified as a Variant of Uncertain Significance.

Ambry Genetics
Classification: Uncertain significance. Last evaluated: 2025-02-25. Review status: criteria provided, single submitter. Criteria: Ambry Variant Classification Scheme 2023. Collection method: clinical testing. Allele origin: germline.

NM_182972.3(IRF2BP2):c.939C>A (p.His313Gln)

Gene: IRF2BP2 (interferon regulatory factor 2 binding protein 2; minus strand). Cytogenetic location: 1q42.3.
Variant type: single nucleotide variant.
Coding change: c.939C>A on transcript NM_182972.3 (MANE Select); coding-DNA position 939, C replaced by A.
Protein change: p.His313Gln; replaces histidine 313 with glutamine.
Molecular consequence: missense variant.
Genome position (GRCh38, 1-based): chr1:234,608,556, G>T on the plus strand (C>A on the coding strand, the complement: IRF2BP2 is on the minus strand). VCF-style: chr1-234608556-G-T. GRCh37 (hg19) VCF-style: chr1-234744302-G-T.
Other names: c.939C>A (NM_182972.2); c.939C>A, p.His313Gln (NM_001077397.1); short protein forms H313Q.
Identifiers: ClinVar variation 1437475 (VCV001437475.9), dbSNP rs926052667, ClinGen allele CA39546030.
Genomic context (GRCh38, chr1:234,608,556, plus strand): 5'-TGCAGTCAGGGCCGGCTCCTTCTTAAACTTGCTCTCGAAGGGCCCCGAGTGGCCGTGCTG[G>T]TGCAGCGCCAGCAGCGTGTCGCGCACGGTCTTGGGCCTGTTGACCCAGTCCTGCTCTCCA-3'
Protein context (NP_892017.2, residues 303-323): KTVRDTLLAL[His313Gln]QHGHSGPFES